The following is an entry in ClinVar:

ClinVar aggregate classification (germline): Conflicting classifications of pathogenicity. Review status: criteria provided, conflicting classifications (1 of 4 stars). 8 submissions from 8 submitters: Uncertain significance (1); Benign (2); Likely benign (3). 2 of the submissions do not count toward it. Last evaluated 2026-01-31.

Conditions:
Glutaric acidemia type 2A.
Multiple acyl-CoA dehydrogenase deficiency (MADD). Also called: GA II; Glutaric aciduria, type 2; ETHYLMALONIC-ADIPICACIDURIA; Glutaric acidemia type II; GA 2; Glutaric Acidemia type 2. Identifiers: Orphanet 26791, MedGen C0268596, MONDO:0009282, OMIM 231680.

Allele frequency attached by ClinVar (database versions not stated): 1000 Genomes Project 30x 0.00062; 1000 Genomes Project 0.00080; gnomAD 0.00222 and 0.00231; ESP Exome Variant Server 0.00246.
gnomAD v4.1: 4,543 of 1,612,466 alleles (0.28%); highest among the groups gnomAD compares: Non-Finnish European, 0.35%; 6 homozygotes.

Submissions (8):

Labcorp Genetics (formerly Invitae), Labcorp
Classification: Likely benign for Multiple acyl-CoA dehydrogenase deficiency. Last evaluated: 2026-01-31. Review status: criteria provided, single submitter. Criteria: Invitae Variant Classification Sherloc (09022015). Collection method: clinical testing. Allele origin: germline.

CeGaT Center for Human Genetics Tuebingen
Classification: Likely benign. Last evaluated: 2025-06-01. Review status: criteria provided, single submitter. Criteria: CeGaT Center For Human Genetics Tuebingen Variant Classification Criteria Version 2. Collection method: clinical testing. Allele origin: germline. Affected: yes. Observed: 4 variant alleles.
Comment: ETFA: BP4

ARUP Laboratories, Molecular Genetics and Genomics, ARUP Laboratories
Classification: Benign for Multiple acyl-CoA dehydrogenase deficiency. Last evaluated: 2025-05-26. Review status: criteria provided, single submitter. Criteria: ARUP Molecular Germline Variant Investigation Process 2024. Collection method: clinical testing. Allele origin: germline.

Blueprint Genetics
Classification: Likely benign. Last evaluated: 2024-11-18. Review status: criteria provided, single submitter. Criteria: ACMG Guidelines, 2015. Collection method: clinical testing. Allele origin: germline.

Illumina Laboratory Services, Illumina
Classification: Uncertain significance for Multiple acyl-CoA dehydrogenase deficiency. Last evaluated: 2018-01-12. Review status: criteria provided, single submitter. Criteria: ICSL Variant Classification Criteria 13 December 2019. Collection method: clinical testing. Allele origin: germline.

GeneDx
Classification: Benign. Last evaluated: 2014-07-10. Review status: criteria provided, single submitter. Criteria: GeneDx Variant Classification (06012015). Collection method: clinical testing. Allele origin: germline. Affected: yes.
Comment: This variant is considered likely benign or benign based on one or more of the following criteria: it is a conservative change, it occurs at a poorly conserved position in the protein, it is predicted to be benign by multiple in silico algorithms, and/or has population frequency not consistent with disease.

Natera, Inc.
Classification: Benign for Glutaric acidemia type 2A. Last evaluated: 2019-10-21. Review status: no assertion criteria provided. Collection method: clinical testing. Allele origin: germline. Not counted in ClinVar's aggregate classification.

Mayo Clinic Laboratories, Mayo Clinic
Classification: Likely benign. Last evaluated: 2016-02-26. Review status: no assertion criteria provided. Collection method: clinical testing. Allele origin: unknown. Not counted in ClinVar's aggregate classification.

NM_000126.4(ETFA):c.186+7A>G

Gene: ETFA (electron transfer flavoprotein subunit alpha; minus strand). Cytogenetic location: 15q24.2.
Variant type: single nucleotide variant.
Coding change: c.186+7A>G on transcript NM_000126.4 (MANE Select); 7 bases into the intron after coding-DNA position 186, A replaced by G.
Molecular consequence: intron variant.
Genome position (GRCh38, 1-based): chr15:76,295,584, T>C on the plus strand (A>G on the coding strand, the complement: ETFA is on the minus strand). VCF-style: chr15-76295584-T-C. GRCh37 (hg19) VCF-style: chr15-76587925-T-C.
Other names: c.40-2884A>G (NM_001127716.2).
Identifiers: ClinVar variation 203686 (VCV000203686.56), dbSNP rs184587113, ClinGen allele CA312476.